The following is an entry in ClinVar:

ClinVar aggregate classification (germline): Uncertain significance (1 of 4 stars; one submission).

Conditions:
Landau-Kleffner syndrome (FESD). Also called: EPILEPSY, FOCAL, WITH SPEECH DISORDER AND WITH OR WITHOUT MENTAL RETARDATION; APHASIA, ACQUIRED, WITH EPILEPSY. Identifiers: Orphanet 1945, Orphanet 725, Orphanet 98818, MedGen C0282512, MONDO:0009509, OMIM 245570.

Allele frequency attached by ClinVar (database versions not stated): gnomAD exomes 0.00001 and below 0.00001.
gnomAD v4.1: 3 of 1,614,226 alleles (0.00019%); highest among the groups gnomAD compares: Non-Finnish European, 0.00025%; no homozygotes.

Submission:

Labcorp Genetics (formerly Invitae), Labcorp
Classification: Uncertain significance for Landau-Kleffner syndrome. Last evaluated: 2018-03-12. Review status: criteria provided, single submitter. Criteria: Invitae Variant Classification Sherloc (09022015). Collection method: clinical testing. Allele origin: germline.
Comment: This sequence change replaces serine with alanine at codon 917 of the GRIN2A protein (p.Ser917Ala). The serine residue is highly conserved and there is a moderate physicochemical difference between serine and alanine. This variant is not present in population databases (ExAC no frequency). This variant has not been reported in the literature in individuals with GRIN2A-related disease. ClinVar contains an entry for this variant (Variation ID: 411294). Algorithms developed to predict the effect of missense changes on protein structure and function do not agree on the potential impact of this missense change (SIFT: "Deleterious"; PolyPhen-2: "Probably Damaging"; Align-GVGD: "Class C0"). In summary, the available evidence is currently insufficient to determine the role of this variant in disease. Therefore, it has been classified as a Variant of Uncertain Significance.

NM_001134407.3(GRIN2A):c.2749T>G (p.Ser917Ala)

Gene: GRIN2A (glutamate ionotropic receptor NMDA type subunit 2A; minus strand). Cytogenetic location: 16p13.2.
Variant type: single nucleotide variant.
Coding change: c.2749T>G on transcript NM_001134407.3 (MANE Select); coding-DNA position 2749, T replaced by G.
Protein change: p.Ser917Ala; replaces serine 917 with alanine.
Molecular consequence: missense variant.
Genome position (GRCh38, 1-based): chr16:9,764,795, A>C on the plus strand (T>G on the coding strand, the complement: GRIN2A is on the minus strand). VCF-style: chr16-9764795-A-C. GRCh37 (hg19) VCF-style: chr16-9858652-A-C.
Other names: c.2749T>G, p.Ser917Ala (NM_000833.5, NM_001134408.2); short protein forms S917A.
Identifiers: ClinVar variation 411294 (VCV000411294.9), dbSNP rs1060503232, ClinGen allele CA16615490.